The following is an entry in ClinVar:

NM_199069.2(NDUFAF3):c.188dup (p.Tyr63Ter)

Gene: NDUFAF3 (NADH:ubiquinone oxidoreductase complex assembly factor 3; plus strand). Cytogenetic location: 3p21.31.
Variant type: Duplication.
Coding change: c.188dup on transcript NM_199069.2 (MANE Select); coding-DNA position 188, one base duplicated (A; older notation c.188dupA).
Protein change: p.Tyr63Ter; replaces tyrosine 63 with a stop codon.
Molecular consequence: nonsense.
Genome position (GRCh38, 1-based): chr3:49,022,456, A duplicated. VCF-style (leftmost placement, unchanged base first): chr3-49022455-T-TA. GRCh37 (hg19) VCF-style: chr3-49059888-T-TA.
Other names: c.188dupA (NM_199069.1, NM_199069.2); c.17dup, p.Tyr6Ter (NM_199070.2, NM_199073.2, NM_199074.2); short protein forms Y63*, Y6*.
Identifiers: ClinVar variation 377248 (VCV000377248.11), dbSNP rs756339822, ClinGen allele CA2390207.
Genomic context (GRCh38, chr3:49,022,455, plus strand): 5'-CAGCGGACGCGCATCTCTCTGCTGCAACGCGAGGCCGCTCAGGCAATGTACATCGACAGC[T>TA]ACAACAGCCGCGGCTTCATGATAAACGGAAACCGCGTGCTCGGCCCCTGCGCTCTGCTCC-3'

ClinVar aggregate classification (germline): Conflicting classifications of pathogenicity. Review status: criteria provided, conflicting classifications (1 of 4 stars). 7 submissions from 6 submitters: Pathogenic (1); Likely pathogenic (4); Uncertain significance (2). Last evaluated 2025-11-12.

Conditions:
Mitochondrial complex I deficiency, nuclear type 1. Also called: NADH-COENZYME Q REDUCTASE DEFICIENCY; MITOCHONDRIAL NADH DEHYDROGENASE COMPONENT OF COMPLEX I, DEFICIENCY OF. Identifiers: MedGen C6022305, MONDO:0100224, OMIM 252010.
Mitochondrial complex I deficiency, nuclear type 18. Also called: Mitochondrial complex 1 deficiency, nuclear type 18. Identifiers: MedGen C4748790, MONDO:0032623, OMIM 618240.
Inborn genetic diseases. Identifiers: MedGen C0950123, MeSH D030342.

Allele frequency attached by ClinVar (database versions not stated): gnomAD exomes 0.00002; gnomAD 0.00021 and 0.00023; ESP Exome Variant Server 0.00040; 1000 Genomes Project 30x 0.00016; TOPMed 0.00025; ExAC 0.00006.

Submissions (7):

Dasa
Classification: Likely pathogenic. Last evaluated: 2025-11-12. Review status: criteria provided, single submitter. Criteria: DASA Assertion Criteria. Collection method: clinical testing. Allele origin: germline.
Comment: NM_199069.2(NDUFAF3):c.188dup (p.Tyr63*) is a frameshift variant in NDUFAF3 predicted to alter the reading frame and introduce a premature termination codon and is predicted to result in an absent or altered protein product. Loss of function is an established disease mechanism for NDUFAF3-associated disorders. Also, this variant is rare in population databases. Based on the currently available evidence, this variant is classified as likely pathogenic.

Women's Health and Genetics/Laboratory Corporation of America, LabCorp
Classification: Uncertain significance. Last evaluated: 2025-10-08. Review status: criteria provided, single submitter. Criteria: LabCorp Variant Classification Summary - May 2015. Collection method: clinical testing. Allele origin: germline.
Comment: Variant summary: NDUFAF3 c.188dupA (p.Tyr63X) results in a premature termination codon, predicted to cause a truncation of the encoded protein or absence of the protein due to nonsense mediated decay, however current evidence is not sufficient to establish loss of function as a mechanism for disease. The variant allele was found at a frequency of 2.4e-05 in 247730 control chromosomes. The available data on variant occurrences in the general population are insufficient to allow any conclusion about variant significance. To our knowledge, no occurrence of c.188dupA in individuals affected with NDUFAF3-related conditions and no experimental evidence demonstrating its impact on protein function have been reported. ClinVar contains an entry for this variant (Variation ID: 377248). Based on the evidence outlined above, the variant was classified as uncertain significance.

GeneDx
Classification: Uncertain significance. Last evaluated: 2022-07-28. Review status: criteria provided, single submitter. Criteria: GeneDx Variant Classification Process June 2021. Collection method: clinical testing. Allele origin: germline. Affected: yes.
Comment: Nonsense variant predicted to result in protein truncation or nonsense mediated decay in a gene for which loss-of-function is a known mechanism of disease; Has not been previously published as pathogenic or benign to our knowledge

Ambry Genetics
Classification: Likely pathogenic for Inborn genetic diseases. Last evaluated: 2021-05-14. Review status: criteria provided, single submitter. Criteria: Ambry Variant Classification Scheme 2023. Collection method: clinical testing. Allele origin: germline.
Comment: The c.188dupA (p.Y63*) alteration, located in exon 2 (coding exon 2) of the NDUFAF3 gene, consists of a duplication of A at position 188, causing a translational frameshift with a predicted alternate stop codon after amino acids. This alteration is expected to result in loss of function by premature protein truncation or nonsense-mediated mRNA decay. Based on the available evidence, this alteration is classified as likely pathogenic.

Baylor Genetics
Classification: Pathogenic for Mitochondrial complex I deficiency, nuclear type 1. Last evaluated: 2018-04-14. Review status: criteria provided, single submitter. Criteria: ACMG Guidelines, 2015. Collection method: clinical testing. Allele origin: maternal. Affected: yes.
Comment: This variant was determined to be pathogenic according to ACMG Guidelines, 2015 [PMID:25741868].

Center for Pediatric Genomic Medicine, Children's Mercy Hospital and Clinics
Classification: Likely pathogenic. Last evaluated: 2016-09-08. Review status: criteria provided, single submitter. Criteria: ACMG Guidelines, 2015. Collection method: clinical testing. Allele origin: germline.

Baylor Genetics
Classification: Likely pathogenic for Mitochondrial complex I deficiency, nuclear type 18. Review status: criteria provided, single submitter. Criteria: ACMG Guidelines, 2015. Collection method: clinical testing. Allele origin: unknown.